The following is an entry in ClinVar:

ClinVar aggregate classification (germline): Likely benign. Review status: criteria provided, multiple submitters, no conflicts (2 of 4 stars). 3 submissions from 3 submitters: Likely benign (3). Last evaluated 2025-06-11.

Conditions:
Familial thoracic aortic aneurysm and aortic dissection (TAAD). Also called: Thoracic aortic aneurysms and dissections. Identifiers: Orphanet 91387, MedGen C4707243, MONDO:0019625.
Loeys-Dietz syndrome (LDS). Identifiers: Orphanet 60030, MedGen C2697932, MONDO:0018954.

Allele frequency attached by ClinVar (database versions not stated): gnomAD exomes below 0.00001; TOPMed below 0.00001; gnomAD 0.00001.
gnomAD v4.1: 6 of 1,613,876 alleles (0.00037%); highest among the groups gnomAD compares: Admixed American, 0.005%; no homozygotes.

Submissions (3):

Labcorp Genetics (formerly Invitae), Labcorp
Classification: Likely benign for Familial thoracic aortic aneurysm and aortic dissection. Last evaluated: 2025-06-11. Review status: criteria provided, single submitter. Criteria: Invitae Variant Classification Sherloc (09022015). Collection method: clinical testing. Allele origin: germline.

All of Us Research Program, National Institutes of Health
Classification: Likely benign for Loeys-Dietz syndrome. Last evaluated: 2023-10-06. Review status: criteria provided, single submitter. Criteria: ACMG Guidelines, 2015. Collection method: clinical testing. Allele origin: germline. Inheritance: Autosomal dominant inheritance. Observed: 1 variant allele, 1 heterozygote.
Comment: This study involves interpretation of variants in research participants for the purpose of population health screening. Participant phenotype was not available at the time of variant classification. Additional details can be found in publication PMID: 35346344, PMCID: PMC8962531

Color Diagnostics, LLC DBA Color Health
Classification: Likely benign for Familial thoracic aortic aneurysm and aortic dissection. Last evaluated: 2019-09-16. Review status: criteria provided, single submitter. Criteria: ACMG Guidelines, 2015. Collection method: clinical testing. Allele origin: germline.

NM_004612.4(TGFBR1):c.1236T>G (p.Ala412=)

Gene: TGFBR1 (transforming growth factor beta receptor 1; plus strand). Cytogenetic location: 9q22.33.
Variant type: single nucleotide variant.
Coding change: c.1236T>G on transcript NM_004612.4 (MANE Select); coding-DNA position 1236, T replaced by G.
Protein change: p.Ala412=; no amino-acid change (alanine 412 retained).
Molecular consequence: synonymous variant.
Genome position (GRCh38, 1-based): chr9:99,146,590, T>G. VCF-style: chr9-99146590-T-G. GRCh37 (hg19) VCF-style: chr9-101908872-T-G.
Other names: c.1005T>G, p.Ala335= (NM_001130916.3); c.1248T>G, p.Ala416= (NM_001306210.2).
Identifiers: ClinVar variation 924220 (VCV000924220.11), dbSNP rs895357571, ClinGen allele CA196894233.